The following is an entry in ClinVar:

NM_001082486.1(ACD):c.205T>C (p.Trp69Arg)

Gene: ACD (ACD shelterin complex subunit and telomerase recruitment factor; minus strand). Cytogenetic location: 16q22.1.
Variant type: single nucleotide variant.
Coding change: c.205T>C on transcript NM_001082486.1; coding-DNA position 205, T replaced by C.
Protein change: p.Trp69Arg; replaces tryptophan 69 with arginine.
Genome position (GRCh38, 1-based): chr16:67,660,274, A>G on the plus strand (T>C on the coding strand, the complement: ACD is on the minus strand). VCF-style: chr16-67660274-A-G. GRCh37 (hg19) VCF-style: chr16-67694177-A-G.
Other names: short protein forms W69R.
Identifiers: ClinVar variation 2480798 (VCV002480798.2), dbSNP rs2543612206, ClinGen allele CA396359418.

ClinVar aggregate classification (germline): Uncertain significance (1 of 4 stars; one submission).

Conditions:
Inborn genetic diseases. Identifiers: MedGen C0950123, MeSH D030342.

Allele frequency attached by ClinVar (database versions not stated): gnomAD exomes below 0.00001.

Submission:

Ambry Genetics
Classification: Uncertain significance for Inborn genetic diseases. Last evaluated: 2023-02-12. Review status: criteria provided, single submitter. Criteria: Ambry Variant Classification Scheme 2023. Collection method: clinical testing. Allele origin: germline.
Comment: The p.W69R variant (also known as c.205T>C), located in coding exon 1 of the ACD gene, results from a T to C substitution at nucleotide position 205. The tryptophan at codon 69 is replaced by arginine, an amino acid with dissimilar properties. This amino acid position is conserved. In addition, this alteration is predicted to be tolerated by in silico analysis. Since supporting evidence is limited at this time, the clinical significance of this alteration remains unclear.